The following is an entry in ClinVar:

NM_000152.5(GAA):c.-32-13T>G

Gene: GAA (alpha glucosidase; plus strand). Cytogenetic location: 17q25.3.
Variant type: single nucleotide variant.
Coding change: c.-32-13T>G on transcript NM_000152.5 (MANE Select); 13 bases into the intron before 32 bases upstream of the start codon, T replaced by G.
Molecular consequence: intron variant.
Genome position (GRCh38, 1-based): chr17:80,104,542, T>G. VCF-style: chr17-80104542-T-G. GRCh37 (hg19) VCF-style: chr17-78078341-T-G.
Other names: IVS1-13T>G; IVS1AS, T-G, -13; c.-32-13T>G (NM_001079803.3, NM_001079804.3).
Identifiers: ClinVar variation 4027 (VCV000004027.146), dbSNP rs386834236, ClinGen allele CA116606.
Genomic context (GRCh38, chr17:80,104,542, plus strand): 5'-CAGAGCTGCTTTGAGAGCCCCGTGAGTGCCGCCCCTCCCGCCTCCCTGCTGAGCCCGCTT[T>G]CTTCTCCCGCAGGCCTGTAGGAGCTGTCCAGGCCATCTCCAACCATGGGAGTGAGGCACC-3'

ClinVar aggregate classification (germline): Pathogenic. Review status: reviewed by expert panel (3 of 4 stars). 67 submissions from 65 submitters: Pathogenic (1). 66 of the submissions do not count toward it. Last evaluated 2024-10-01.

Conditions:
Glycogen storage disease due to acid maltase deficiency, late-onset (LOPD). Also called: POMPE DISEASE, LATE-ONSET; GLYCOGEN STORAGE DISEASE II, LATE-ONSET; ACID ALPHA-GLUCOSIDASE DEFICIENCY, LATE-ONSET; GAA DEFICIENCY, LATE-ONSET; ACID MALTASE DEFICIENCY, LATE-ONSET; AMD, LATE-ONSET. Identifiers: Orphanet 420429, MedGen C0342753, MONDO:0018485, OMIM 621314.
GAA-related disorders.
GAA-related disorder. Also called: GAA-related condition.
Glycogen storage disease, type II (IOPD). Also called: Glycogen storage disease type 2; Acid maltase deficiency disease; Aglucosidase alfa; Deficiency of alpha-glucosidase; Deficiency of lysosomal alpha-glucosidase; CARDIOMEGALIA GLYCOGENICA DIFFUSA. Identifiers: Orphanet 365, MedGen C0017921, MONDO:0009290, OMIM 232300.
Fetal anomalies with a likely genetic cause.
Cardiovascular phenotype. Identifiers: MedGen CN230736.
Glycogen storage disease, type IV (GSD4). Also called: BRANCHER DEFICIENCY; CIRRHOSIS, FAMILIAL, WITH DEPOSITION OF ABNORMAL GLYCOGEN; GBE1 DEFICIENCY; GLYCOGEN BRANCHING ENZYME DEFICIENCY; GLYCOGENOSIS IV; GSD IV. Identifiers: Orphanet 367, MedGen C0017923, MONDO:0009292, OMIM 232500.
Myopathy. Identifiers: MedGen C0026848, MeSH D009135, MONDO:0005336, HP:0003198.
Glycogen storage disease. Also called: glycogen storage disorder; Disorder of glycogen metabolism. Identifiers: Orphanet 79201, MedGen C0017919, MONDO:0002412.

Allele frequency attached by ClinVar (database versions not stated): 1000 Genomes Project 0.00280; ExAC 0.00358; gnomAD 0.00380 and 0.00384; gnomAD exomes 0.00547 and 0.00344; 1000 Genomes Project 30x 0.00265; TOPMed 0.00359; ESP Exome Variant Server 0.00416.

Submissions 1 to 3 of 77:

ClinGen Lysosomal Storage Disorder Variant Curation Expert Panel
Classification: Pathogenic for Glycogen storage disease, type II. Last evaluated: 2024-10-01. Review status: reviewed by expert panel. Criteria: clingen_lsd_acmg_specifications_v2-1. Collection method: curation. Allele origin: germline. Inheritance: Autosomal recessive inheritance.
Comment: The NM_000152.5:c.-32-13T>G variant occurs in the acceptor splice site region of intron 1 of GAA and results in a reduced level of normally spliced GAA transcripts (“leaky splicing”) allowing for the production of residual GAA activity. This variant, historically termed IVS1-13T>G and -45T>G, is the most common GAA variant identified in patients with late-onset Pompe disease; about 36-90% of individuals with late-onset Pompe disease are heterozygous for this variant (PMID: 20301438, 31342611). Haplotype analysis suggests that c.-32-13T>G has arisen at least twice (PMID: 17210890). RT-PCR analysis of fibroblast RNA from patients with the variant, in addition to minigene studies assessing the splicing impact of c.-32-13T>G, have identified various aberrantly spliced transcripts as well as a low level of the normal transcript. The aberrant splice variants include SV1, which retains the first 36 nt of intron 1 and lacks exon 2; SV2, in which exon 2 is completely spliced out; and SV3, in which exon 2 is partially spliced out. The same aberrant splicing variants, missing all or part of exon 2, have also been found at low levels in the RNA of unaffected individuals and when the normal GAA sequence is analyzed in minigene studies (PMID: 7717400, 8817337, 17210890, 24150945). Overall, the variant appears to reduce the level of normal GAA transcripts to about 10-20% of wild type. This “leaky splicing” allows for some active GAA enzyme to be produced, thereby delaying onset of symptoms in individuals who carry this variant. It should be noted that these in vitro observations pertain to data collected in non muscle cell lines, the precise effect that this variant may have in vivo within muscle is not known. In cells from patients and cells transfected with the variant, antisense oligonucleotides and other treatments have been shown to increase the level of exon 2 inclusion, producing correctly spliced transcripts; to increase the residual activity of GAA; and to reduce the level of glycogen (PMID: 24150945, 28624228, 28629821, 31301153, 32317649, 33426149, 36401034). Based on the accumulation of evidence, PVS1 is applied at strong (PMID: 37352859). Hundreds of patients with this variant have been reported in the literature (see list of publications in an online resource ). There are numerous of examples of affected patients who are heterozygous for c.-32-13T>G and another variant in GAA that has been classified as pathogenic by the ClinGen LD GCEP (pathogenic classification does not require use of c.-32-13T>G for PM3). To provide some examples, the variant has been found in compound heterozygosity with c.525delT (ClinVar Variation ID: 4033, SCV001443331.1) (4 probands; max 2 x 0.5 points) (PMID: 27189384), c.1051delG (ClinVar Variation ID: 188841, SCV001371764.1) (0.5 points) (PMID: 27189384), c.2481+102_2646+31del (ClinVar Variation ID: 657307) (0.5 points) (PMID: 27189384), c.2331+2T>A (ClinGen Variation ID: 371281) (2 probands) (2 x 0.5 points) (PMID: 27189384), c.1548G>A (p.Trp516Ter) (ClinVar Variation ID: 189025, SCV001371740.1) (0.5 points) (PMID: 27189384), c.1441T>C (p.Trp481Arg) (ClinVar Variation ID: 189007, SCV004227917.1) (0.5 points) (PMID: 27189384), c.1551+1G>C (ClinVar Variation ID: 554983) (0.5 points) (PMID: 7881425), c.784G>A (p.Glu262Lys) (ClinVar Variation ID: 188806, SCV002032128.1) (0.5 points) (PMID: 25673129), and c.670C>T (p.Arg224Trp) (Variation ID: 189188, SCV001371775.1) (0.5 points) (PMID: 25673129), as well as homozygous individuals (max 2 x 0.5 points) (PMID: 25673129, 26231297 34405923). >7 points (PM3_VeryStrong). While the variant has never been associated with classical infantile-onset Pompe disease, the age of onset and severity of disease in patients with the variant can vary widely, even in individuals who are compound heterozygous for c.-32-13T>G and a complete loss of function variant (PMID: 17210890, 34405923). Clinically affected patients who are homozygous for the variant have also been reported. However, some homozygous individuals appear to remain asymptomatic, leading to discussions on how best to follow these individuals if identified on newborn screen (PMID: 30922962). Studies indicate that one of the factors that can modify the phenotype is the presence of another variant, c.510C>T, in cis with c.-32-13T>G. This variant has been shown to further reduce the level of normal GAA mRNA causing early onset and greater severity of symptoms (PMID: 30922962). The highest minor allele frequency (MAF) in gnomAD v2.1.1. is 0.005293 (614/116004 alleles) in the European non-Finnish population, with one homozygote in the “remaining individuals” group. In gnomAD v4.1.0, the highest population MAF is 0.006355 (7335/1154180 alleles; 19 homozygotes) in the European non-Finnish population. Although this allele frequency meets the BS1 threshold suggested by the LD VCEP, the fact that this variant is the most common variant in individuals with late onset Pompe disease accounts for the population based allele frequency that is observed. Therefore, BS1 was not applied. In addition there is abundant evidence to support its pathogenicity. Other variants in the same splice region have been identified in patients with Pompe disease including c.-32-3C>G, c.-32-3C>A, c.-32-2A>G, and c.-32-1G>C (PMID: 31301153, 33560568). The classification of c.-32-13T>G will be used to support the classification of these other variants. Therefore, to avoid circular logic, their classification was not used in the classification of c.-32-13T>G. There is a ClinVar entry for this variant (Variation ID: 4027). In summary, the c.-32-13T>G variant (also known as IVS1-13T>G) meets the criteria to be classified as pathogenic for Pompe disease. It results in residual GAA activity and is the most common GAA variant causing late-onset Pompe disease. GAA-specific ACMG/AMP criteria met, as specified by the ClinGen Lysosomal Diseases Variant Curation Expert Panel (Specifications version 2.0): PVS1_Strong, PM3_Very Strong, PP4_Moderate. (Classification approved by the ClinGen Lysosomal Diseases Variant Curation Expert Panel on October 1st, 2024)

OLLIN Analises Genomicas, OLLIN
Classification: Pathogenic for Glycogen storage disease, type II. Last evaluated: 2026-08-06. Review status: criteria provided, single submitter. Criteria: ACMG Guidelines 2015 PMID 25741868. Collection method: clinical testing. Allele origin: germline. Inheritance: Autosomal recessive inheritance. Not counted in ClinVar's aggregate classification.
Comment: This variant, has been reported in ClinVar (accession VCV000004027.142), in gnomAD with an allele frequency of 0.53%, and in the scientific literature, in compound heterozygosity, in individuals with GAA related disorders (PMID: 37907381, 20301438, 31342611, 17210890, 7717400, 8817337, 24150945, 28624228, 28629821, 31301153, 32317649, 33426149, 36401034, 33560568, 37352859, 27189384, 7881425, 25673129, 26231297, 34405923). According to the currently available evidence, this variant has been classified as pathogenic (PVS1_S, PM3_VS, PP4_M).

Genomenon, Inc
Classification: Pathogenic for Glycogen storage disease, type II. Last evaluated: 2026-07-01. Review status: criteria provided, single submitter. Criteria: Genomenon Sequence Variant Interpretation Standards - Updated. Collection method: curation. Allele origin: germline. Affected: yes. Not counted in ClinVar's aggregate classification.
Comment: GAA c.-32-13T>G is an intronic variant located in the 5′ untranslated region (5′ UTR). This variant has been observed in at least one proband with a GAA-related disorder in the compound heterozygous and/or homozygous state (PMID:39731073;37958907;33168984;33188503;32012848;18285536;16917947;25681614). Functional studies have been reported (PMID:34606154;33426149;28629821;18285536;25758767). At least one splicing study has demonstrated that this variant results in aberrant splicing (PMID:33168984;31301153;7881425;25243733;24150945). In conclusion, we classify GAA c.-32-13T>G as a pathogenic variant.